The following is an entry in ClinVar:

NM_001127222.2(CACNA1A):c.7412_7425del (p.Arg2471fs)

Gene: CACNA1A (calcium voltage-gated channel subunit alpha1 A; minus strand). Cytogenetic location: 19p13.13.
Variant type: Deletion.
Coding change: c.7412_7425del on transcript NM_001127222.2 (MANE Select); coding-DNA positions 7412 to 7425, 14 bases deleted (GACTCCCCAACGGC).
Protein change: p.Arg2471fs; shifts the reading frame from arginine 2471.
Molecular consequence: frameshift variant. On other transcripts: 3 prime UTR variant (3).
Genome position (GRCh38, 1-based): chr19:13,207,409-13,207,422, GCCGTTGGGGAGTC deleted on the plus strand (GACTCCCCAACGGC on the coding strand, the reverse complement: CACNA1A is on the minus strand); deleting any 14 consecutive bases within chr19:13,207,409-13,207,426 gives the same sequence; the c. name uses the placement nearest the transcript's 3' end. VCF-style (leftmost placement, unchanged base first): chr19-13207408-AGCCGTTGGGGAGTC-A. GRCh37 (hg19) VCF-style: chr19-13318222-AGCCGTTGGGGAGTC-A.
Other names: c.*624_*637del (NM_000068.4, NM_001127221.2, NM_001174080.2); c.7430_7443del, p.Arg2477fs (NM_023035.3); short protein forms R2471fs, R2477fs.
Identifiers: ClinVar variation 3772098 (VCV003772098.13).

ClinVar aggregate classification (germline): Uncertain significance (1 of 4 stars; one submission).

Submission:

CeGaT Center for Human Genetics Tuebingen
Classification: Uncertain significance. Last evaluated: 2024-12-01. Review status: criteria provided, single submitter. Criteria: CeGaT Center For Human Genetics Tuebingen Variant Classification Criteria Version 2. Collection method: clinical testing. Allele origin: germline. Affected: yes. Observed: 1 variant allele.
Comment: CACNA1A: PM2, PVS1:Moderate